The following is an entry in ClinVar:

ClinVar aggregate classification (germline): Uncertain significance (1 of 4 stars; one submission).

gnomAD v4.1: 44 of 1,543,862 alleles (0.0028%); highest among the groups gnomAD compares: African/African-American, 0.056%; no homozygotes.

Submission:

Dasa
Classification: Uncertain significance. Last evaluated: 2025-02-15. Review status: criteria provided, single submitter. Criteria: DASA Assertion Criteria. Collection method: clinical testing. Allele origin: germline.
Comment: NM_005035.4(POLRMT):c.1851+5C>T is a splice-region variant. This variant is rare in population databases. Computational prediction algorithms are consistent with a benign effect. The currently available literature and clinical evidence are not sufficient to establish a definitive association between this variant and the reported condition. Therefore, this variant is classified as a variant of uncertain significance.

NM_005035.4(POLRMT):c.1851+5C>T

Gene: POLRMT (RNA polymerase mitochondrial; minus strand). Cytogenetic location: 19p13.3.
Variant type: single nucleotide variant.
Coding change: c.1851+5C>T on transcript NM_005035.4 (MANE Select); 5 bases into the intron after coding-DNA position 1851, C replaced by T.
Molecular consequence: intron variant.
Genome position (GRCh38, 1-based): chr19:622,144, G>A on the plus strand (C>T on the coding strand, the complement: POLRMT is on the minus strand). VCF-style: chr19-622144-G-A. GRCh37 (hg19) VCF-style: chr19-622144-G-A.
Other names: c.1809+5C>T (NM_001407813.1, NM_001407811.1); c.1839+5C>T (NM_001407810.1, NM_001407807.1); c.1842+5C>T (NM_001407809.1, NM_001407806.1); c.1627-298C>T (NM_001407832.1, NM_001407830.1); c.1851+5C>T (NM_001407829.1, NM_001407815.1, NM_001407814.1 and 4 more transcripts); c.1518+5C>T (NM_001407834.1); c.1527+5C>T (NM_001407836.1, NM_001407835.1, NM_001407833.1 and 1 more transcripts).
Identifiers: ClinVar variation 4880908 (VCV004880908.2).